The following is an entry in ClinVar:

NM_001184.4(ATR):c.6335G>A (p.Arg2112His)

Gene: ATR (ATR checkpoint kinase; minus strand). Cytogenetic location: 3q23.
Variant type: single nucleotide variant.
Coding change: c.6335G>A on transcript NM_001184.4 (MANE Select); coding-DNA position 6335, G replaced by A.
Protein change: p.Arg2112His; replaces arginine 2112 with histidine.
Molecular consequence: missense variant.
Genome position (GRCh38, 1-based): chr3:142,469,554, C>T on the plus strand (G>A on the coding strand, the complement: ATR is on the minus strand). VCF-style: chr3-142469554-C-T. GRCh37 (hg19) VCF-style: chr3-142188396-C-T.
Other names: c.6143G>A, p.Arg2048His (NM_001354579.2); short protein forms R2048H, R2112H.
Identifiers: ClinVar variation 1372343 (VCV001372343.7), dbSNP rs535888898, ClinGen allele CA2649345.

ClinVar aggregate classification (germline): Uncertain significance. Review status: criteria provided, multiple submitters, no conflicts (2 of 4 stars). 4 submissions from 3 submitters: Uncertain significance (4). Last evaluated 2025-01-26.

Conditions:
Seckel syndrome 1 (SCKL1). Also called: MICROCEPHALIC PRIMORDIAL DWARFISM I. Identifiers: Orphanet 808, MedGen C4551474, MONDO:0008869, OMIM 210600.
Inborn genetic diseases. Identifiers: MedGen C0950123, MeSH D030342.
Familial cutaneous telangiectasia and oropharyngeal predisposition cancer syndrome. Identifiers: Orphanet 313846, MedGen C3281203, MONDO:0013806, OMIM 614564.

Allele frequency attached by ClinVar (database versions not stated): gnomAD 0.00001; gnomAD exomes 0.00002; ExAC 0.00003; 1000 Genomes Project 30x 0.00016; 1000 Genomes Project 0.00020.

Submissions (4):

Labcorp Genetics (formerly Invitae), Labcorp
Classification: Uncertain significance. Last evaluated: 2025-01-26. Review status: criteria provided, single submitter. Criteria: Invitae Variant Classification Sherloc (09022015). Collection method: clinical testing. Allele origin: germline.
Comment: This sequence change replaces arginine, which is basic and polar, with histidine, which is basic and polar, at codon 2112 of the ATR protein (p.Arg2112His). This variant is present in population databases (rs535888898, gnomAD 0.01%). This variant has not been reported in the literature in individuals affected with ATR-related conditions. ClinVar contains an entry for this variant (Variation ID: 1372343). An algorithm developed to predict the effect of missense changes on protein structure and function (PolyPhen-2) suggests that this variant is likely to be disruptive. In summary, the available evidence is currently insufficient to determine the role of this variant in disease. Therefore, it has been classified as a Variant of Uncertain Significance.

Genome-Nilou Lab
Classification: Uncertain significance for Seckel syndrome 1. Last evaluated: 2023-02-08. Review status: criteria provided, single submitter. Criteria: ACMG Guidelines, 2015. Collection method: clinical testing. Allele origin: germline.

Genome-Nilou Lab
Classification: Uncertain significance for Familial cutaneous telangiectasia and oropharyngeal predisposition cancer syndrome. Last evaluated: 2023-02-08. Review status: criteria provided, single submitter. Criteria: ACMG Guidelines, 2015. Collection method: clinical testing. Allele origin: germline.

Ambry Genetics
Classification: Uncertain significance for Inborn genetic diseases. Last evaluated: 2022-03-03. Review status: criteria provided, single submitter. Criteria: Ambry Variant Classification Scheme 2023. Collection method: clinical testing. Allele origin: germline.
Comment: The p.R2112H variant (also known as c.6335G>A), located in coding exon 38 of the ATR gene, results from a G to A substitution at nucleotide position 6335. The arginine at codon 2112 is replaced by histidine, an amino acid with highly similar properties. This amino acid position is conserved. In addition, this alteration is predicted to be tolerated by in silico analysis. Since supporting evidence is limited at this time, the clinical significance of this alteration remains unclear.